The following is an entry in ClinVar:

NM_006147.4(IRF6):c.1160G>A (p.Arg387Lys)

Gene: IRF6 (interferon regulatory factor 6; minus strand). Cytogenetic location: 1q32.2.
Variant type: single nucleotide variant.
Coding change: c.1160G>A on transcript NM_006147.4 (MANE Select); coding-DNA position 1160, G replaced by A.
Protein change: p.Arg387Lys; replaces arginine 387 with lysine.
Molecular consequence: missense variant.
Genome position (GRCh38, 1-based): chr1:209,789,686, C>T on the plus strand (G>A on the coding strand, the complement: IRF6 is on the minus strand). VCF-style: chr1-209789686-C-T. GRCh37 (hg19) VCF-style: chr1-209963031-C-T.
Other names: c.875G>A, p.Arg292Lys (NM_001206696.2); short protein forms R292K, R387K.
Identifiers: ClinVar variation 2630849 (VCV002630849.2), dbSNP rs542258348, ClinGen allele CA1377191.

ClinVar aggregate classification (germline): Uncertain significance. Review status: criteria provided, multiple submitters, no conflicts (2 of 4 stars). 2 submissions from 2 submitters: Uncertain significance (2). Last evaluated 2025-08-07.

Conditions:
IRF6-related condition. Also called: IRF6-related disorder; IRF6-Related Disorders. Identifiers: MedGen CN378148, MONDO:1040010.
Inborn genetic diseases. Identifiers: MedGen C0950123, MeSH D030342.

Allele frequency attached by ClinVar (database versions not stated): gnomAD exomes below 0.00001; ExAC 0.00001; TOPMed 0.00002; gnomAD 0.00003; 1000 Genomes Project 30x 0.00016; 1000 Genomes Project 0.00020.
gnomAD v4.1: 7 of 1,613,242 alleles (0.00043%); highest among the groups gnomAD compares: African/African-American, 0.008%; no homozygotes.

Submissions (2):

Ambry Genetics
Classification: Uncertain significance for Inborn genetic diseases. Last evaluated: 2025-08-07. Review status: criteria provided, single submitter. Criteria: Ambry Variant Classification Scheme 2023. Collection method: clinical testing. Allele origin: germline.

PreventionGenetics, part of Exact Sciences
Classification: Uncertain significance for IRF6-related condition. Last evaluated: 2023-08-21. Review status: criteria provided, single submitter. Criteria: ACMG Guidelines, 2015. Collection method: clinical testing. Allele origin: germline.
Comment: The IRF6 c.1160G>A variant is predicted to result in the amino acid substitution p.Arg387Lys. To our knowledge, this variant has not been reported in the literature. This variant is reported in 0.012% of alleles in individuals of African descent in gnomAD. At this time, the clinical significance of this variant is uncertain due to the absence of conclusive functional and genetic evidence.